The following is an entry in ClinVar:

NM_000038.6(APC):c.1247dup (p.Tyr416Ter)

Gene: APC (APC regulator of Wnt signaling pathway; plus strand). Cytogenetic location: 5q22.2.
Variant type: Duplication.
Coding change: c.1247dup on transcript NM_000038.6 (MANE Select); coding-DNA position 1247, one base duplicated (A; older notation c.1247dupA).
Protein change: p.Tyr416Ter; replaces tyrosine 416 with a stop codon.
Molecular consequence: nonsense. On other transcripts: non-coding transcript variant (2).
Genome position (GRCh38, 1-based): chr5:112,819,279, A duplicated. VCF-style (leftmost placement, unchanged base first): chr5-112819278-T-TA. GRCh37 (hg19) VCF-style: chr5-112154975-T-TA.
Other names: c.1247dup, p.Tyr416Ter (NM_001127510.3, NM_001354895.2, NM_001354896.2 and 4 more transcripts); c.1193dup, p.Tyr398Ter (NM_001127511.3); c.1277dup, p.Tyr426Ter (NM_001354897.2, NM_001407446.1); c.1172dup, p.Tyr391Ter (NM_001354898.2, NM_001407451.1); c.1163dup, p.Tyr388Ter (NM_001354899.2, NM_001407452.1); c.1070dup, p.Tyr357Ter (NM_001354900.2, NM_001354901.2, NM_001407453.1); c.974dup, p.Tyr325Ter (NM_001354902.2); c.944dup, p.Tyr315Ter (NM_001354903.2, NM_001407454.1, NM_001407455.1 and 5 more transcripts); and 5 more; short protein forms Y133*, Y256*, Y287*, Y290*, Y315*, Y32*, Y325*, Y357*.
Identifiers: ClinVar variation 2583970 (VCV002583970.2), dbSNP rs2533056153, ClinGen allele CA658760552.

ClinVar aggregate classification (germline): Pathogenic. Review status: criteria provided, multiple submitters, no conflicts (2 of 4 stars). 2 submissions from 2 submitters: Pathogenic (2). Last evaluated 2025-11-18.

Conditions:
Familial adenomatous polyposis 1 (FAP1). Also called: FAMILIAL ADENOMATOUS POLYPOSIS 1, ATTENUATED; POLYPOSIS, ADENOMATOUS INTESTINAL. Identifiers: MedGen C2713442, MONDO:0021056, OMIM 175100. Disease mechanism: loss of function.

Submissions (2):

Labcorp Genetics (formerly Invitae), Labcorp
Classification: Pathogenic for Familial adenomatous polyposis 1. Last evaluated: 2025-11-18. Review status: criteria provided, single submitter. Criteria: Invitae Variant Classification Sherloc (09022015). Collection method: clinical testing. Allele origin: germline.
Comment: This sequence change creates a premature translational stop signal (p.Tyr416*) in the APC gene. It is expected to result in an absent or disrupted protein product. Loss-of-function variants in APC are known to be pathogenic (PMID: 17963004, 20685668). This variant is not present in population databases (gnomAD no frequency). This premature translational stop signal has been observed in individual(s) with familial adenomatous polyposis (PMID: 8381580). ClinVar contains an entry for this variant (Variation ID: 2583970). For these reasons, this variant has been classified as Pathogenic.

Myriad Genetics, Inc.
Classification: Pathogenic for Familial adenomatous polyposis 1. Last evaluated: 2023-05-01. Review status: criteria provided, single submitter. Criteria: Myriad Autosomal Dominant, Autosomal Recessive and X-Linked Classification Criteria (2023). Collection method: clinical testing. Allele origin: unknown.
Comment: This variant is considered pathogenic. This variant creates a termination codon and is predicted to result in premature protein truncation.

Literature cited by the submitters: PubMed 17963004 (cited by Labcorp Genetics (formerly Invitae), Labcorp); PubMed 20685668 (cited by Labcorp Genetics (formerly Invitae), Labcorp); PubMed 8381580 (cited by Labcorp Genetics (formerly Invitae), Labcorp).